The following is an entry in ClinVar:

NM_015331.3(NCSTN):c.2095A>G (p.Ile699Val)

Gene: NCSTN (nicastrin; plus strand). Cytogenetic location: 1q23.2.
Variant type: single nucleotide variant.
Coding change: c.2095A>G on transcript NM_015331.3 (MANE Select); coding-DNA position 2095, A replaced by G.
Protein change: p.Ile699Val; replaces isoleucine 699 with valine.
Molecular consequence: missense variant.
Genome position (GRCh38, 1-based): chr1:160,358,236, A>G. VCF-style: chr1-160358236-A-G. GRCh37 (hg19) VCF-style: chr1-160328026-A-G.
Other names: c.2035A>G, p.Ile679Val (NM_001290184.2); c.1681A>G, p.Ile561Val (NM_001290186.2); c.1882A>G, p.Ile628Val (NM_001349729.2); short protein forms I561V, I628V, I679V, I699V.
Identifiers: ClinVar variation 3616223 (VCV003616223.2).
Genomic context (GRCh38, chr1:160,358,236, plus strand): 5'-ATCCTCATCTTCTCCCTCATCGTCACCTACTGCATCAATGCCAAAGCTGATGTCCTTTTC[A>G]TTGCTCCCCGGGAGCCAGGAGCTGTGTCATACTGAGGAGGACCCCAGCTTTTCTTGCCAG-3'
Protein context (NP_056146.1, residues 689-709): CINAKADVLF[Ile699Val]APREPGAVSY

ClinVar aggregate classification (germline): Uncertain significance (1 of 4 stars; one submission).

gnomAD v4.1: 4 of 1,613,662 alleles (0.00025%); highest among the groups gnomAD compares: African/African-American, 0.0013%; no homozygotes.

Submission:

Labcorp Genetics (formerly Invitae), Labcorp
Classification: Uncertain significance. Last evaluated: 2025-02-27. Review status: criteria provided, single submitter. Criteria: Invitae Variant Classification Sherloc (09022015). Collection method: clinical testing. Allele origin: germline.
Comment: This sequence change replaces isoleucine, which is neutral and non-polar, with valine, which is neutral and non-polar, at codon 699 of the NCSTN protein (p.Ile699Val). This variant is not present in population databases (gnomAD no frequency). This variant has not been reported in the literature in individuals affected with NCSTN-related conditions. An algorithm developed to predict the effect of missense changes on protein structure and function outputs the following: PolyPhen-2: "Benign". The valine amino acid residue is found in multiple mammalian species, which suggests that this missense change does not adversely affect protein function. In summary, the available evidence is currently insufficient to determine the role of this variant in disease. Therefore, it has been classified as a Variant of Uncertain Significance.